The following is an entry in ClinVar:

NM_001110556.2(FLNA):c.7436G>T (p.Cys2479Phe)

Gene: FLNA (filamin A; minus strand). Cytogenetic location: Xq28.
Variant type: single nucleotide variant.
Coding change: c.7436G>T on transcript NM_001110556.2 (MANE Select); coding-DNA position 7436, G replaced by T.
Protein change: p.Cys2479Phe; replaces cysteine 2479 with phenylalanine.
Molecular consequence: missense variant.
Genome position (GRCh38, 1-based): chrX:154,349,765, C>A on the plus strand (G>T on the coding strand, the complement: FLNA is on the minus strand). VCF-style: chrX-154349765-C-A. GRCh37 (hg19) VCF-style: chrX-153578133-C-A.
Other names: c.7412G>T, p.Cys2471Phe (NM_001456.4); short protein forms C2471F, C2479F.
Identifiers: ClinVar variation 1297659 (VCV001297659.12), dbSNP rs2067604638, ClinGen allele CA415182359.

ClinVar aggregate classification (germline): Uncertain significance. Review status: criteria provided, multiple submitters, no conflicts (2 of 4 stars). 4 submissions from 4 submitters: Uncertain significance (2). 2 of the submissions do not count toward it. Last evaluated 2025-12-21.

Conditions:
Oto-palato-digital syndrome, type II (OPD2). Also called: Otopalatodigital Syndrome, Type II; Otopalatodigital Syndrome Type 2 (FLNA-OPD2); OPD II SYNDROME; FACIOPALATOOSSEOUS SYNDROME. Identifiers: Orphanet 669, Orphanet 90652, MedGen C1844696, MONDO:0010571, OMIM 304120.
Melnick-Needles syndrome (MNS). Also called: Melnick-Needles Syndrome (FLNA-MNS); MELNICK-NEEDLES OSTEODYSPLASTY; OSTEODYSPLASTY OF MELNICK AND NEEDLES. Identifiers: Orphanet 2484, MedGen C0025237, MONDO:0010650, OMIM 309350.
Frontometaphyseal dysplasia (FMD1). Identifiers: Orphanet 1826, MedGen C0265293, MONDO:0015942.
Heterotopia, periventricular, X-linked dominant (PVNH1). Also called: PERIVENTRICULAR NODULAR HETEROTOPIA 1; X-linked periventricular heterotopia; PERIVENTRICULAR NODULAR HETEROTOPIA 4; HETEROTOPIA, PERIVENTRICULAR, 1. Identifiers: Orphanet 2149, Orphanet 82004, MedGen C1848213, MONDO:0010233, OMIM 300049.

Allele frequency attached by ClinVar (database versions not stated): TOPMed below 0.00001; gnomAD exomes 0.00001.
gnomAD v4.1: 4 of 1,211,451 alleles (0.00033%); highest among the groups gnomAD compares: Non-Finnish European, 0.00045%; no homozygotes.

Submissions (4):

Labcorp Genetics (formerly Invitae), Labcorp
Classification: Uncertain significance for Oto-palato-digital syndrome, type II; Heterotopia, periventricular, X-linked dominant; Frontometaphyseal dysplasia; Melnick-Needles syndrome. Last evaluated: 2025-12-21. Review status: criteria provided, single submitter. Criteria: Invitae Variant Classification Sherloc (09022015). Collection method: clinical testing. Allele origin: germline.
Comment: This sequence change replaces cysteine, which is neutral and slightly polar, with phenylalanine, which is neutral and non-polar, at codon 2471 of the FLNA protein (p.Cys2471Phe). This variant is not present in population databases (gnomAD no frequency). This variant has not been reported in the literature in individuals affected with FLNA-related conditions. ClinVar contains an entry for this variant (Variation ID: 1297659). Invitae Evidence Modeling of protein sequence and biophysical properties (such as structural, functional, and spatial information, amino acid conservation, physicochemical variation, residue mobility, and thermodynamic stability) indicates that this missense variant is not expected to disrupt FLNA protein function with a negative predictive value of 95%. In summary, the available evidence is currently insufficient to determine the role of this variant in disease. Therefore, it has been classified as a Variant of Uncertain Significance.

Blueprint Genetics
Classification: Uncertain significance. Last evaluated: 2021-06-07. Review status: criteria provided, single submitter. Criteria: ACMG Guidelines, 2015. Collection method: clinical testing. Allele origin: germline.

Clinical Genetics DNA and cytogenetics Diagnostics Lab, Erasmus MC, Erasmus Medical Center
Classification: Uncertain significance. Review status: no assertion criteria provided. Collection method: clinical testing. Allele origin: germline. Affected: yes. Study: VKGL Data-share Consensus. Not counted in ClinVar's aggregate classification.

Joint Genome Diagnostic Labs from Nijmegen and Maastricht, Radboudumc and MUMC+
Classification: Uncertain significance. Review status: no assertion criteria provided. Collection method: clinical testing. Allele origin: germline. Affected: yes. Study: VKGL Data-share Consensus. Not counted in ClinVar's aggregate classification.